The following is an entry in ClinVar:

ClinVar aggregate classification (germline): Likely benign. Review status: criteria provided, multiple submitters, no conflicts (2 of 4 stars). 3 submissions from 3 submitters: Likely benign (3). Last evaluated 2026-01-24.

Conditions:
Inborn genetic diseases. Identifiers: MedGen C0950123, MeSH D030342.
Neuropathy, hereditary sensory and autonomic, type 2A (HSAN2A). Also called: ACROOSTEOLYSIS, GIACCAI TYPE; ACROOSTEOLYSIS, NEUROGENIC; HSAN IIA; NEUROPATHY, CONGENITAL SENSORY; NEUROPATHY, HEREDITARY SENSORY RADICULAR, AUTOSOMAL RECESSIVE; NEUROPATHY, HEREDITARY SENSORY, TYPE IIA. Identifiers: Orphanet 970, MedGen C2752089, MONDO:0024309, OMIM 201300.
Generalized epilepsy with febrile seizures plus, type 7 (GEFSP7). Also called: GEFS+, TYPE 7. Identifiers: Orphanet 36387, MedGen C2751778, MONDO:0013470, OMIM 613863.

Allele frequency attached by ClinVar (database versions not stated): gnomAD exomes 0.00001 and 0.00002; ExAC 0.00003; gnomAD 0.00007 and 0.00008; TOPMed 0.00017; 1000 Genomes Project 0.00040; 1000 Genomes Project 30x 0.00047.
gnomAD v4.1: 25 of 1,614,088 alleles (0.0015%); highest among the groups gnomAD compares: Admixed American, 0.032%; no homozygotes.

Submissions (3):

Labcorp Genetics (formerly Invitae), Labcorp
Classification: Likely benign for Neuropathy, hereditary sensory and autonomic, type 2A; Generalized epilepsy with febrile seizures plus, type 7. Last evaluated: 2026-01-24. Review status: criteria provided, single submitter. Criteria: Invitae Variant Classification Sherloc (09022015). Collection method: clinical testing. Allele origin: germline.

Ambry Genetics
Classification: Likely benign for Inborn genetic diseases. Last evaluated: 2019-07-11. Review status: criteria provided, single submitter. Criteria: Ambry Variant Classification Scheme 2023. Collection method: clinical testing. Allele origin: germline.

GeneDx
Classification: Likely benign. Last evaluated: 2015-12-31. Review status: criteria provided, single submitter. Criteria: GeneDx Variant Classification (06012015). Collection method: clinical testing. Allele origin: germline. Affected: yes.
Comment: This variant is considered likely benign or benign based on one or more of the following criteria: it is a conservative change, it occurs at a poorly conserved position in the protein, it is predicted to be benign by multiple in silico algorithms, and/or has population frequency not consistent with disease.

NM_001365536.1(SCN9A):c.2634C>T (p.Phe878=)

Genes: SCN9A (sodium voltage-gated channel alpha subunit 9; minus strand), SCN1A-AS1 (SCN1A and SCN9A antisense RNA 1; plus strand). Cytogenetic location: 2q24.3.
Variant type: single nucleotide variant.
Coding change: c.2634C>T on transcript NM_001365536.1 (MANE Select); coding-DNA position 2634, C replaced by T.
Protein change: p.Phe878=; no amino-acid change (phenylalanine 878 retained).
Molecular consequence: synonymous variant. On other transcripts: non-coding transcript variant (1).
Genome position (GRCh38, 1-based): chr2:166,277,223, G>A on the plus strand (C>T on the coding strand, the complement: SCN9A is on the minus strand). VCF-style: chr2-166277223-G-A. GRCh37 (hg19) VCF-style: chr2-167133733-G-A.
Other names: c.2601C>T, p.Phe867= (NM_002977.4).
Identifiers: ClinVar variation 382224 (VCV000382224.14), dbSNP rs188678956, ClinGen allele CA1944228.